The following is an entry in ClinVar:

ClinVar aggregate classification (germline): Pathogenic. Review status: criteria provided, multiple submitters, no conflicts (2 of 4 stars). 3 submissions from 3 submitters: Pathogenic (3). Last evaluated 2025-02-24.

Conditions:
Mowat-Wilson syndrome (MOWS). Also called: Classic Mowat-Wilson Syndrome. Identifiers: Orphanet 2152, MedGen C1856113, MONDO:0009341, OMIM 235730.

Submissions (3):

Labcorp Genetics (formerly Invitae), Labcorp
Classification: Pathogenic for Mowat-Wilson syndrome. Last evaluated: 2025-02-24. Review status: criteria provided, single submitter. Criteria: Invitae Variant Classification Sherloc (09022015). Collection method: clinical testing. Allele origin: germline.
Comment: This sequence change creates a premature translational stop signal (p.Pro906Leufs*24) in the ZEB2 gene. It is expected to result in an absent or disrupted protein product. Loss-of-function variants in ZEB2 are known to be pathogenic (PMID: 16053902). This variant is not present in population databases (gnomAD no frequency). This premature translational stop signal has been observed in individual(s) with Mowat-Wilson sydrome (PMID: 27831545). This variant is also known as c.2713delC. ClinVar contains an entry for this variant (Variation ID: 1172771). For these reasons, this variant has been classified as Pathogenic.

Medical Genetics Unit, Azienda USL-IRCCS di Reggio Emilia
Classification: Pathogenic for Mowat-Wilson syndrome. Last evaluated: 2023-10-20. Review status: criteria provided, single submitter. Criteria: ACMG Guidelines, 2015. Collection method: clinical testing. Allele origin: de novo. Affected: yes. Observed: 1 variant allele.
Comment: Heterozygous variant associated with Mowat-Wilson syndrome in at least 1 individual. ACMG/AMP criteria PVS1, PS2, PM2, PP4

The Laboratory of Genetics and Metabolism, Hunan Children’s Hospital
Classification: Pathogenic for Mowat-Wilson syndrome. Last evaluated: 2021-03-06. Review status: criteria provided, single submitter. Criteria: ACMG Guidelines, 2015. Collection method: research. Allele origin: de novo. Affected: yes. Observed: 1 variant allele.

Literature cited by the submitters: PubMed 16053902 (cited by Labcorp Genetics (formerly Invitae), Labcorp); PubMed 27831545 (cited by Labcorp Genetics (formerly Invitae), Labcorp); PubMed 29300384 (cited by Medical Genetics Unit, Azienda USL-IRCCS di Reggio Emilia); PubMed 34298581 (cited by The Laboratory of Genetics and Metabolism, Hunan Children’s Hospital).

NM_014795.4(ZEB2):c.2717del (p.Pro906fs)

Gene: ZEB2 (zinc finger E-box binding homeobox 2; minus strand). Cytogenetic location: 2q22.3.
Variant type: Deletion.
Coding change: c.2717del on transcript NM_014795.4 (MANE Select); coding-DNA position 2717, one base deleted (C; older notation c.2717delC).
Protein change: p.Pro906fs; shifts the reading frame from proline 906.
Molecular consequence: frameshift variant.
Genome position (GRCh38, 1-based): chr2:144,398,470, G deleted on the plus strand (C on the coding strand, the reverse complement: ZEB2 is on the minus strand); the first of 5 consecutive G bases (chr2:144,398,470-144,398,474); deleting any one gives the same sequence. VCF-style (leftmost placement, unchanged base first): chr2-144398469-AG-A. GRCh37 (hg19) VCF-style: chr2-145156036-AG-A.
Other names: c.2645del, p.Pro882fs (NM_001171653.2); short protein forms P882fs, P906fs.
Identifiers: ClinVar variation 1172771 (VCV001172771.9), dbSNP rs2149876411, ClinGen allele CA2499214970.